The following is an entry in ClinVar:

NM_006118.4(HAX1):c.756T>A (p.Asp252Glu)

Gene: HAX1 (HCLS1 associated protein X-1; plus strand). Cytogenetic location: 1q21.3.
Variant type: single nucleotide variant.
Coding change: c.756T>A on transcript NM_006118.4 (MANE Select); coding-DNA position 756, T replaced by A.
Protein change: p.Asp252Glu; replaces aspartic acid 252 with glutamic acid.
Molecular consequence: missense variant.
Genome position (GRCh38, 1-based): chr1:154,275,617, T>A. VCF-style: chr1-154275617-T-A. GRCh37 (hg19) VCF-style: chr1-154248093-T-A.
Other names: c.612T>A, p.Asp204Glu (NM_001018837.2); short protein forms D252E, D204E.
Identifiers: ClinVar variation 4842733 (VCV004842733.1).

ClinVar aggregate classification (germline): Uncertain significance (1 of 4 stars; one submission).

Conditions:
Inborn genetic diseases. Identifiers: MedGen C0950123, MeSH D030342.

Submission:

Ambry Genetics
Classification: Uncertain significance for Inborn genetic diseases. Last evaluated: 2025-12-24. Review status: criteria provided, single submitter. Criteria: Ambry Variant Classification Scheme 2023. Collection method: clinical testing. Allele origin: germline.
Comment: The p.D252E variant (also known as c.756T>A), located in coding exon 7 of the HAX1 gene, results from a T to A substitution at nucleotide position 756. The aspartic acid at codon 252 is replaced by glutamic acid, an amino acid with highly similar properties. This amino acid position is conserved. In addition, this alteration is predicted to be tolerated by in silico analysis. Based on the available evidence, the clinical significance of this variant remains unclear.